The following is an entry in ClinVar:

NC_000002.12:g.211992663_212835430del

Genes: ERBB4 (erb-b2 receptor tyrosine kinase 4; minus strand), LINC01878 (long independently transcribed non-coding RNA 1878; plus strand), MIR548F2 (microRNA 548f-2; minus strand), LOC129935524 (ATAC-STARR-seq lymphoblastoid active region 17056; plus strand). Cytogenetic location: 2q34.
Variant type: Deletion.
Identifiers: ClinVar variation 4880190 (VCV004880190.1).

ClinVar aggregate classification (germline): Likely pathogenic (1 of 4 stars; one submission).

Conditions:
Inborn genetic diseases. Identifiers: MedGen C0950123, MeSH D030342.

Submission:

Wales Gene Park, Division Of Cancer and Genetics, Cardiff University
Classification: Likely pathogenic for Inborn genetic diseases. Last evaluated: 2026-04-28. Review status: criteria provided, single submitter. Criteria: ACGS Best Practice Guidelines for Variant Classification in Rare Disease 2024. Collection method: research. Allele origin: de novo. Inheritance: Autosomal dominant inheritance. Affected: yes. Study: 100,000 Genomes Project (Wales).
Comment: De novo ~843 kb deletion detected by trio genome sequencing. Loss of ERBB4 exons 1 and 2 (NM_005235.3). Phenotype consistent with gene but not highly specific and high genetic heterogeneity. Not in population databases. Evidence codes: PVS1, PM2, PS2_supporting.